The following is an entry in ClinVar:

ClinVar aggregate classification (germline): Likely benign (1 of 4 stars; one submission).

Conditions:
Autosomal dominant nonsyndromic hearing loss 5. Identifiers: Orphanet 90635, MedGen C1832932, MONDO:0010973, OMIM 600994.

Allele frequency attached by ClinVar (database versions not stated): gnomAD exomes 0.00017; 1000 Genomes Project 0.00140; gnomAD 0.00153 and 0.00163; 1000 Genomes Project 30x 0.00156; TOPMed 0.00189.
gnomAD v4.1: 273 of 380,348 alleles (0.072%); highest among the groups gnomAD compares: African/African-American, 0.52%; 2 homozygotes.

Submission:

Illumina Laboratory Services, Illumina
Classification: Likely benign for Autosomal dominant nonsyndromic hearing loss 5. Last evaluated: 2018-01-12. Review status: criteria provided, single submitter. Criteria: ICSL Variant Classification Criteria 13 December 2019. Collection method: clinical testing. Allele origin: germline.
Comment: This variant was observed in the ICSL laboratory as part of a predisposition screen in an ostensibly healthy population. It had not been previously curated by ICSL or reported in the Human Gene Mutation Database (HGMD: prior to June 1st, 2018), and was therefore a candidate for classification through an automated scoring system. Utilizing variant allele frequency, disease prevalence and penetrance estimates, and inheritance mode, an automated score was calculated to assess if this variant is too frequent to cause the disease. Based on the score and internal cut-off values, a variant classified as likely benign is not then subjected to further curation. The score for this variant resulted in a classification of likely benign for this disease.

NM_001127453.2(GSDME):c.*321T>G

Gene: GSDME (gasdermin E; minus strand). Cytogenetic location: 7p15.3.
Variant type: single nucleotide variant.
Coding change: c.*321T>G on transcript NM_001127453.2 (MANE Select); 321 bases downstream of the stop codon, T replaced by G.
Molecular consequence: 3 prime UTR variant.
Genome position (GRCh38, 1-based): chr7:24,698,705, A>C on the plus strand (T>G on the coding strand, the complement: GSDME is on the minus strand). VCF-style: chr7-24698705-A-C. GRCh37 (hg19) VCF-style: chr7-24738324-A-C.
Other names: c.*321T>G (NM_001127454.2, NM_004403.3).
Identifiers: ClinVar variation 359831 (VCV000359831.5), dbSNP rs573722628, ClinGen allele CA10628810.